The following is an entry in ClinVar:

NM_000080.4(CHRNE):c.46+5G>A

Genes: C17orf107 (chromosome 17 open reading frame 107; plus strand), CHRNE (cholinergic receptor nicotinic epsilon subunit; minus strand). Cytogenetic location: 17p13.2.
Variant type: single nucleotide variant.
Coding change: c.46+5G>A on transcript NM_000080.4 (MANE Select); 5 bases into the intron after coding-DNA position 46, G replaced by A.
Molecular consequence: intron variant.
Genome position (GRCh38, 1-based): chr17:4,903,013, C>T on the plus strand (G>A on the coding strand, the complement: CHRNE is on the minus strand). VCF-style: chr17-4903013-C-T. GRCh37 (hg19) VCF-style: chr17-4806308-C-T.
Other names: c.46+5G>A (LRG_1254t1).
Identifiers: ClinVar variation 425118 (VCV000425118.55), dbSNP rs375802288, ClinGen allele CA8314634.
Genomic context (GRCh38, chr17:4,903,013, plus strand): 5'-TCTTCCCAGTCCCTTCATGTCAGTATCTGTGTGTGTCCAATTGCCCCTCTAGCCCCTGTC[C>T]GTACCGAGAAGCCCCAAGAGGAGCAGGACCCCAAGCGGAGCCCTTGCCATCCTGCTGCGT-3'

ClinVar aggregate classification (germline): Conflicting classifications of pathogenicity. Review status: criteria provided, conflicting classifications (1 of 4 stars). 5 submissions from 5 submitters: Uncertain significance (3); Likely benign (1). 1 of the submissions does not count toward it. Last evaluated 2025-12-24.

Conditions:
Congenital myasthenic syndrome (CMS). Also called: Congenital Myasthenic Syndromes. Identifiers: Orphanet 590, MedGen C0751882, MeSH D020294, MONDO:0018940.
Congenital myasthenic syndrome 4A. Also called: CONGENITAL MYASTHENIC SYNDROME TYPE Ia1; Myasthenic syndrome, congenital, 4a, slow-channel; MYASTHENIC SYNDROME, CONGENITAL, 4A, SLOW-CHANNEL, AUTOSOMAL RECESSIVE. Identifiers: Orphanet 590, MedGen C4225413, MONDO:0011600, OMIM 605809.

Allele frequency attached by ClinVar (database versions not stated): ESP Exome Variant Server 0.00015; ExAC 0.00017; TOPMed 0.00018; gnomAD exomes 0.00019; gnomAD 0.00025.
gnomAD v4.1: 207 of 1,614,084 alleles (0.013%); highest among the groups gnomAD compares: Middle Eastern, 0.2%; 1 homozygote.

Submissions (6):

Labcorp Genetics (formerly Invitae), Labcorp
Classification: Uncertain significance for Congenital myasthenic syndrome 4A. Last evaluated: 2025-12-24. Review status: criteria provided, single submitter. Criteria: Invitae Variant Classification Sherloc (09022015). Collection method: clinical testing. Allele origin: germline.
Comment: This sequence change falls in intron 1 of the CHRNE gene. It does not directly change the encoded amino acid sequence of the CHRNE protein. It affects a nucleotide within the consensus splice site. This variant is present in population databases (rs375802288, gnomAD 0.03%). This variant has not been reported in the literature in individuals affected with CHRNE-related conditions. ClinVar contains an entry for this variant (Variation ID: 425118). Variants that disrupt the consensus splice site are a relatively common cause of aberrant splicing (PMID: 17576681, 9536098). Algorithms developed to predict the effect of sequence changes on RNA splicing suggest that this variant may disrupt the consensus splice site. In summary, the available evidence is currently insufficient to determine the role of this variant in disease. Therefore, it has been classified as a Variant of Uncertain Significance.

CeGaT Center for Human Genetics Tuebingen
Classification: Likely benign. Last evaluated: 2024-01-01. Review status: criteria provided, single submitter. Criteria: CeGaT Center For Human Genetics Tuebingen Variant Classification Criteria Version 2. Collection method: clinical testing. Allele origin: germline. Affected: yes. Observed: 2 variant alleles.
Comment: CHRNE: BP4

Women's Health and Genetics/Laboratory Corporation of America, LabCorp
Classification: Uncertain significance. Last evaluated: 2023-02-10. Review status: criteria provided, single submitter. Criteria: LabCorp Variant Classification Summary - May 2015. Collection method: clinical testing. Allele origin: germline.

Illumina Laboratory Services, Illumina
Classification: Uncertain significance for Congenital myasthenic syndrome. Last evaluated: 2018-01-12. Review status: criteria provided, single submitter. Criteria: ICSL Variant Classification Criteria 13 December 2019. Collection method: clinical testing. Allele origin: germline.

Natera, Inc.
Classification: Uncertain significance for Congenital myasthenic syndrome. Last evaluated: 2020-02-12. Review status: no assertion criteria provided. Collection method: clinical testing. Allele origin: germline. Not counted in ClinVar's aggregate classification.

Dr. Peter K. Rogan Lab, Western University
No classification provided (evidence only). Condition: Familial cancer of breast. Review status: no classification provided. Collection method: in vitro. Allele origin: not applicable. Functional consequence: retained intron. Not counted in ClinVar's aggregate classification.

Literature cited by the submitters: PubMed 17576681 (cited by Labcorp Genetics (formerly Invitae), Labcorp); PubMed 9536098 (cited by Labcorp Genetics (formerly Invitae), Labcorp).